The following is an entry in ClinVar:

ClinVar aggregate classification (germline): Uncertain significance (1 of 4 stars; one submission).

Conditions:
Hajdu-Cheney syndrome (HJCYS). Also called: Acroosteolysis dominant type; ACROOSTEOLYSIS WITH OSTEOPOROSIS AND CHANGES IN SKULL AND MANDIBLE; SERPENTINE FIBULA-POLYCYSTIC KIDNEY SYNDROME. Identifiers: Orphanet 955, MedGen C0917715, MONDO:0007057, OMIM 102500.

Submission:

Labcorp Genetics (formerly Invitae), Labcorp
Classification: Uncertain significance for Hajdu-Cheney syndrome. Last evaluated: 2023-09-05. Review status: criteria provided, single submitter. Criteria: Invitae Variant Classification Sherloc (09022015). Collection method: clinical testing. Allele origin: germline.
Comment: In summary, the available evidence is currently insufficient to determine the role of this variant in disease. Therefore, it has been classified as a Variant of Uncertain Significance. Advanced modeling of protein sequence and biophysical properties (such as structural, functional, and spatial information, amino acid conservation, physicochemical variation, residue mobility, and thermodynamic stability) performed at Invitae indicates that this missense variant is expected to disrupt NOTCH2 protein function. This variant has not been reported in the literature in individuals affected with NOTCH2-related conditions. This variant is not present in population databases (gnomAD no frequency). This sequence change replaces aspartic acid, which is acidic and polar, with valine, which is neutral and non-polar, at codon 377 of the NOTCH2 protein (p.Asp377Val).

NM_024408.4(NOTCH2):c.1130A>T (p.Asp377Val)

Gene: NOTCH2 (notch receptor 2; minus strand). Cytogenetic location: 1p12.
Variant type: single nucleotide variant.
Coding change: c.1130A>T on transcript NM_024408.4 (MANE Select); coding-DNA position 1130, A replaced by T.
Protein change: p.Asp377Val; replaces aspartic acid 377 with valine.
Molecular consequence: missense variant.
Genome position (GRCh38, 1-based): chr1:119,968,211, T>A on the plus strand (A>T on the coding strand, the complement: NOTCH2 is on the minus strand). VCF-style: chr1-119968211-T-A. GRCh37 (hg19) VCF-style: chr1-120510834-T-A.
Other names: c.1130A>T, p.Asp377Val (NM_001200001.2); short protein forms D377V.
Identifiers: ClinVar variation 2894974 (VCV002894974.3), dbSNP rs2101145674, ClinGen allele CA341881725.